The following is an entry in ClinVar:

NM_024649.5(BBS1):c.700G>A (p.Glu234Lys)

Gene: BBS1 (Bardet-Biedl syndrome 1; plus strand). Cytogenetic location: 11q13.2.
Variant type: single nucleotide variant.
Coding change: c.700G>A on transcript NM_024649.5 (MANE Select); coding-DNA position 700, G replaced by A.
Protein change: p.Glu234Lys; replaces glutamic acid 234 with lysine.
Molecular consequence: missense variant.
Genome position (GRCh38, 1-based): chr11:66,519,725, G>A. VCF-style: chr11-66519725-G-A. GRCh37 (hg19) VCF-style: chr11-66287196-G-A.
Other names: short protein forms E234K.
Identifiers: ClinVar variation 12148 (VCV000012148.32), dbSNP rs35520756, ClinGen allele CA260181.

ClinVar aggregate classification (germline): Benign/Likely benign. Review status: criteria provided, multiple submitters, no conflicts (2 of 4 stars). 15 submissions from 15 submitters: Benign (9); Likely benign (4). 2 of the submissions do not count toward it. Last evaluated 2026-02-04.

Conditions:
BBS1-related ciliopathy. Identifiers: MedGen CN378629, MONDO:1040043.
Bardet-Biedl syndrome 1/7, digenic. Identifiers: MedGen C4016435.
Bardet-Biedl syndrome (BBS). Identifiers: Orphanet 110, MedGen C0752166, MONDO:0015229.
Bardet-Biedl syndrome 1 (BBS1). Identifiers: MedGen C2936862, MONDO:0008854, OMIM 209900. Disease mechanism: loss of function.

Allele frequency attached by ClinVar (database versions not stated): gnomAD exomes 0.00284 and 0.00768; ExAC 0.00933; 1000 Genomes Project 0.02835; gnomAD 0.02977 and 0.03206; 1000 Genomes Project 30x 0.03029; TOPMed 0.03386.
gnomAD v4.1: 8,817 of 1,613,416 alleles (0.55%); highest among the groups gnomAD compares: African/African-American, 10%; 409 homozygotes.

Submissions (15):

Labcorp Genetics (formerly Invitae), Labcorp
Classification: Benign for Bardet-Biedl syndrome. Last evaluated: 2026-02-04. Review status: criteria provided, single submitter. Criteria: Invitae Variant Classification Sherloc (09022015). Collection method: clinical testing. Allele origin: germline.

Mayo Clinic Laboratories, Mayo Clinic
Classification: Benign. Last evaluated: 2025-02-24. Review status: criteria provided, single submitter. Criteria: ACMG Guidelines, 2015. Collection method: clinical testing. Allele origin: germline. Observed: 2 variant alleles.
Comment: BA1, BS2

Blueprint Genetics
Classification: Likely benign. Last evaluated: 2024-11-27. Review status: criteria provided, single submitter. Criteria: ACMG Guidelines, 2015. Collection method: clinical testing. Allele origin: germline.

Department of Pathology and Laboratory Medicine, Sinai Health System
Classification: Benign for BBS1-related ciliopathy. Last evaluated: 2023-04-24. Review status: criteria provided, single submitter. Criteria: ACMG Guidelines, 2015. Collection method: research. Allele origin: germline.

GeneDx
Classification: Benign. Last evaluated: 2021-05-05. Review status: criteria provided, single submitter. Criteria: GeneDx Variant Classification Process June 2021. Collection method: clinical testing. Allele origin: germline. Affected: yes.
Comment: This variant is associated with the following publications: (PMID: 12567324, 20498079, 27894351, 29191167, 20981092, 27884173)

Ocular Genomics Institute, Massachusetts Eye and Ear
Classification: Benign for Bardet-Biedl syndrome 1. Last evaluated: 2021-04-08. Review status: criteria provided, single submitter. Criteria: ACMG Guidelines, 2015. Collection method: research. Allele origin: germline. Affected: yes.
Comment: Through a review of available evidence we were able to apply the following criteria: BS1, BS2. Based on this evidence we have classified this variant as Benign.

Mendelics
Classification: Likely benign for Bardet-Biedl syndrome 1. Last evaluated: 2019-05-28. Review status: criteria provided, single submitter. Criteria: Mendelics Assertion Criteria 2017. Collection method: clinical testing. Allele origin: unknown.

Illumina Laboratory Services, Illumina
Classification: Likely benign for Bardet-Biedl syndrome 1. Last evaluated: 2017-04-27. Review status: criteria provided, single submitter. Criteria: ICSL Variant Classification Criteria 13 December 2019. Collection method: clinical testing. Allele origin: germline.
Comment: This variant was observed as part of a predisposition screen in an ostensibly healthy population. A literature search was performed for the gene, cDNA change, and amino acid change (where applicable). Publications were found based on this search. The evidence from the literature, in combination with allele frequency data from public databases where available, was sufficient to determine this variant is unlikely to cause disease. Therefore, this variant is classified as likely benign.

Center for Pediatric Genomic Medicine, Children's Mercy Hospital and Clinics
Classification: Benign. Last evaluated: 2016-06-23. Review status: criteria provided, single submitter. Criteria: ACMG Guidelines, 2015. Collection method: clinical testing. Allele origin: germline.

Women's Health and Genetics/Laboratory Corporation of America, LabCorp
Classification: Benign. Last evaluated: 2016-01-11. Review status: criteria provided, single submitter. Criteria: LabCorp Variant Classification Summary - May 2015. Collection method: clinical testing. Allele origin: germline.

Eurofins Ntd Llc (ga)
Classification: Benign. Last evaluated: 2015-10-01. Review status: criteria provided, single submitter. Criteria: EGL Classification Definitions 2015. Collection method: clinical testing. Allele origin: germline. Observed: 1 variant allele, 1 homozygote.

Breakthrough Genomics
Classification: Likely benign. Review status: criteria provided, single submitter. Criteria: ACMG Guidelines, 2015. Collection method: not provided. Allele origin: germline. Inheritance: Autosomal recessive inheritance. Affected: yes.

PreventionGenetics, part of Exact Sciences
Classification: Benign. Review status: criteria provided, single submitter. Criteria: ACMG Guidelines, 2015. Collection method: clinical testing. Allele origin: germline.

Natera, Inc.
Classification: Benign for Bardet-Biedl syndrome type 1. Last evaluated: 2020-09-16. Review status: no assertion criteria provided. Collection method: clinical testing. Allele origin: germline. Not counted in ClinVar's aggregate classification.

OMIM
Classification: Pathogenic for BARDET-BIEDL SYNDROME 1/7, DIGENIC. Last evaluated: 2003-03-01. Review status: no assertion criteria provided. Collection method: literature only. Allele origin: germline. Not counted in ClinVar's aggregate classification.

Literature cited by the submitters: PubMed 12677556 (cited by 3 submitters); PubMed 27884173 (cited by Ocular Genomics Institute, Massachusetts Eye and Ear); PubMed 12567324 (cited by 4 submitters); PubMed 27894351 (cited by Ocular Genomics Institute, Massachusetts Eye and Ear); PubMed 29191167 (cited by Ocular Genomics Institute, Massachusetts Eye and Ear); PubMed 20498079 (cited by Women's Health and Genetics/Laboratory Corporation of America, LabCorp).